The following is an entry in ClinVar:

ClinVar aggregate classification (germline): Uncertain significance (1 of 4 stars; one submission).

gnomAD v4.1: 1 of 1,614,086 alleles (0.000062%); no homozygotes.

Submission:

Labcorp Genetics (formerly Invitae), Labcorp
Classification: Uncertain significance. Last evaluated: 2025-08-06. Review status: criteria provided, single submitter. Criteria: Invitae Variant Classification Sherloc (09022015). Collection method: clinical testing. Allele origin: germline.
Comment: This sequence change replaces alanine, which is neutral and non-polar, with glutamic acid, which is acidic and polar, at codon 1222 of the USH2A protein (p.Ala1222Glu). This variant is not present in population databases (gnomAD no frequency). This variant has not been reported in the literature in individuals affected with USH2A-related conditions. Invitae Evidence Modeling of protein sequence and biophysical properties (such as structural, functional, and spatial information, amino acid conservation, physicochemical variation, residue mobility, and thermodynamic stability) has been performed for this missense variant. However, the output from this modeling did not meet the statistical confidence thresholds required to predict the impact of this variant on USH2A protein function. In summary, the available evidence is currently insufficient to determine the role of this variant in disease. Therefore, it has been classified as a Variant of Uncertain Significance.

NM_206933.4(USH2A):c.3665C>A (p.Ala1222Glu)

Genes: USH2A (usherin; minus strand), USH2A-AS1 (USH2A antisense RNA 1; plus strand). Cytogenetic location: 1q41.
Variant type: single nucleotide variant.
Coding change: c.3665C>A on transcript NM_206933.4 (MANE Select); coding-DNA position 3665, C replaced by A.
Protein change: p.Ala1222Glu; replaces alanine 1222 with glutamic acid.
Molecular consequence: missense variant.
Genome position (GRCh38, 1-based): chr1:216,199,773, G>T on the plus strand (C>A on the coding strand, the complement: USH2A is on the minus strand). VCF-style: chr1-216199773-G-T. GRCh37 (hg19) VCF-style: chr1-216373115-G-T.
Other names: c.3665C>A, p.Ala1222Glu (NM_007123.6); short protein forms A1222E.
Identifiers: ClinVar variation 4738847 (VCV004738847.1).